The following is an entry in ClinVar:

NM_020832.3(ZNF687):c.3476AGA[1] (p.Lys1160del)

Gene: ZNF687 (zinc finger protein 687; plus strand). Cytogenetic location: 1q21.3.
Variant type: Microsatellite.
Coding change: c.3476AGA[1] on transcript NM_020832.3 (MANE Select); one copy of the 3-base unit AGA starting at c.3476; the reference has two copies in a row; one copy, 3 bases deleted.
Protein change: p.Lys1160del; deletes lysine 1160.
Genome position (GRCh38, 1-based): chr1:151,290,974-151,290,976, AGA deleted; deleting any 3 consecutive bases within chr1:151,290,970-151,290,976 gives the same sequence; the position shown is the placement nearest the transcript's 3' end. VCF-style (leftmost placement, unchanged base first): chr1-151290969-CAAG-C. GRCh37 (hg19) VCF-style: chr1-151263445-CAAG-C.
Other names: c.3476AGA[1], p.Lys1160del (NM_001304763.2, NM_001304764.2); short protein forms K1160del.
Identifiers: ClinVar variation 3718789 (VCV003718789.2).

ClinVar aggregate classification (germline): Uncertain significance (1 of 4 stars; one submission).

Submission:

Labcorp Genetics (formerly Invitae), Labcorp
Classification: Uncertain significance. Last evaluated: 2024-09-04. Review status: criteria provided, single submitter. Criteria: Invitae Variant Classification Sherloc (09022015). Collection method: clinical testing. Allele origin: germline.
Comment: This variant, c.3479_3481del, results in the deletion of 1 amino acid(s) of the ZNF687 protein (p.Lys1160del), but otherwise preserves the integrity of the reading frame. This variant is present in population databases (rs781012462, gnomAD 0.04%). This variant has not been reported in the literature in individuals affected with ZNF687-related conditions. Experimental studies and prediction algorithms are not available or were not evaluated, and the functional significance of this variant is currently unknown. In summary, the available evidence is currently insufficient to determine the role of this variant in disease. Therefore, it has been classified as a Variant of Uncertain Significance.